The following is an entry in ClinVar:

NM_006767.4(LZTR1):c.652-116A>G

Gene: LZTR1 (leucine zipper like post translational regulator 1; plus strand). Cytogenetic location: 22q11.21.
Variant type: single nucleotide variant.
Coding change: c.652-116A>G on transcript NM_006767.4 (MANE Select); 116 bases into the intron before coding-DNA position 652, A replaced by G.
Molecular consequence: intron variant.
Genome position (GRCh38, 1-based): chr22:20,990,270, A>G. VCF-style: chr22-20990270-A-G. GRCh37 (hg19) VCF-style: chr22-21344559-A-G.
Identifiers: ClinVar variation 2447770 (VCV002447770.6), dbSNP rs1011228133, ClinGen allele CA322325869.
Genomic context (GRCh38, chr22:20,990,270, plus strand): 5'-GGGCCCCGTGAAGTGGATGAGACAGGGCTATGAGCTGTTCCAAGACAAAGGAATCTGTGA[A>G]TCCTCATCTGGGGAAGTTTCAAGAATAAAAGCAGTCCCATCTCAGCAGTCTCGAGTGTGG-3'

ClinVar aggregate classification (germline): Uncertain significance. Review status: criteria provided, multiple submitters, no conflicts (2 of 4 stars). 2 submissions from 2 submitters: Uncertain significance (2). Last evaluated 2025-08-05.

Conditions:
LZTR1-related schwannomatosis. Also called: Schwannomatosis-2, susceptibility to; Schwannomatosis 2. Identifiers: Orphanet 93921, MedGen C3810283, MONDO:0014299, OMIM 615670.
Cardiovascular phenotype. Identifiers: MedGen CN230736.
Hereditary cancer-predisposing syndrome. Also called: Neoplastic Syndromes, Hereditary; Hereditary Cancer Syndrome; Tumor predisposition; Hereditary neoplastic syndrome. Identifiers: Orphanet 140162, MedGen C0027672, MeSH D009386, MONDO:0015356.

Allele frequency attached by ClinVar (database versions not stated): gnomAD 0.00001; gnomAD exomes 0.00004.
gnomAD v4.1: 41 of 1,173,706 alleles (0.0035%); highest among the groups gnomAD compares: Non-Finnish European, 0.005%; no homozygotes.

Submissions (2):

Ambry Genetics
Classification: Uncertain significance for Cardiovascular phenotype; Hereditary cancer-predisposing syndrome. Last evaluated: 2025-08-05. Review status: criteria provided, single submitter. Criteria: Ambry Variant Classification Scheme 2023. Collection method: clinical testing. Allele origin: germline.
Comment: The c.652-116A>G intronic variant results from an A to G substitution 116 nucleotides upstream from coding exon 8 in the LZTR1 gene. This nucleotide position is not well conserved in available vertebrate species. In silico splice site analysis predicts that this alteration will result in the creation or strengthening of a novel splice donor site; however, direct evidence is insufficient at this time (Ambry internal data). Based on the available evidence, the clinical significance of this variant remains unclear.

Baylor Genetics
Classification: Uncertain significance for LZTR1-related schwannomatosis. Last evaluated: 2024-01-22. Review status: criteria provided, single submitter. Criteria: ACMG Guidelines, 2015. Collection method: clinical testing. Allele origin: unknown.